The following is an entry in ClinVar:

ClinVar aggregate classification (germline): Uncertain significance (1 of 4 stars; one submission).

Conditions:
SLC17A8-related disorder. Also called: SLC17A8-related condition.

Submission:

PreventionGenetics, part of Exact Sciences
Classification: Uncertain significance for SLC17A8-related condition. Last evaluated: 2026-06-16. Review status: criteria provided, single submitter. Criteria: ACMG Guidelines, 2015. Collection method: clinical testing. Allele origin: germline.
Comment: The SLC17A8 c.805G>A variant is predicted to result in the amino acid substitution p.Ala269Thr. To our knowledge, this variant has not been reported in the literature or in a large population database (gnomAD), indicating this variant is rare. At this time, the clinical significance of this variant is uncertain due to the absence of conclusive functional and genetic evidence.

NM_139319.3(SLC17A8):c.805G>A (p.Ala269Thr)

Gene: SLC17A8 (solute carrier family 17 member 8; plus strand). Cytogenetic location: 12q23.1.
Variant type: single nucleotide variant.
Coding change: c.805G>A on transcript NM_139319.3 (MANE Select); coding-DNA position 805, G replaced by A.
Protein change: p.Ala269Thr; replaces alanine 269 with threonine.
Molecular consequence: missense variant.
Genome position (GRCh38, 1-based): chr12:100,402,381, G>A. VCF-style: chr12-100402381-G-A. GRCh37 (hg19) VCF-style: chr12-100796159-G-A.
Other names: c.805G>A, p.Ala269Thr (NM_001145288.2); short protein forms A269T.
Identifiers: ClinVar variation 4977156 (VCV004977156.1).
Genomic context (GRCh38, chr12:100,402,381, plus strand): 5'-TTTTCTTTTTTAACTGCAGGCATGTTTGGGATTATTTGGTACATGTTTTGGCTGTTGCAG[G>A]CCTATGAGTGCCCAGCAGCTCATCCAACAATATCCAATGAGGAGAAGACCTATATAGAGA-3'
Protein context (NP_647480.1, residues 259-279): IIWYMFWLLQ[Ala269Thr]YECPAAHPTI